The following is an entry in ClinVar:

NM_000548.5(TSC2):c.2967-1G>A

Gene: TSC2 (TSC complex subunit 2; plus strand). Cytogenetic location: 16p13.3.
Variant type: single nucleotide variant.
Coding change: c.2967-1G>A on transcript NM_000548.5 (MANE Select); the canonical splice acceptor site of the intron before coding-DNA position 2967, G replaced by A.
Molecular consequence: splice acceptor variant. On other transcripts: intron variant (21).
Genome position (GRCh38, 1-based): chr16:2,079,031, G>A. VCF-style: chr16-2079031-G-A. GRCh37 (hg19) VCF-style: chr16-2129032-G-A.
Other names: c.1494-1G>A (NM_001406693.1, NM_001406690.1, NM_001406692.1 and 1 more transcripts); c.2928-1G>A (NM_001406667.1); c.2928-4G>A (NM_001406668.1); c.2367-1G>A (NM_001406680.1, NM_001406683.1, NM_001406682.1); c.2238-4G>A (NM_001406687.1, NM_001318831.2, NM_001406688.1); c.1623-1G>A (NM_001406689.1); c.1494-4G>A (NM_001406691.1, NM_001406697.1, NM_001406695.1 and 1 more transcripts); c.1236-4G>A (NM_001406698.1); and 18 more.
Identifiers: ClinVar variation 1937007 (VCV001937007.8), dbSNP rs1596382055, ClinGen allele CA394283423.

ClinVar aggregate classification (germline): Conflicting classifications of pathogenicity. Review status: criteria provided, conflicting classifications (1 of 4 stars). 4 submissions from 4 submitters: Uncertain significance (3); Likely benign (1). Last evaluated 2025-03-31.

Conditions:
Hereditary cancer-predisposing syndrome. Also called: Hereditary Cancer Syndrome; Neoplastic Syndromes, Hereditary; Tumor predisposition; Hereditary neoplastic syndrome. Identifiers: Orphanet 140162, MedGen C0027672, MeSH D009386, MONDO:0015356.
Tuberous sclerosis 2 (TSC2). Identifiers: Orphanet 805, MedGen C1860707, MONDO:0013199, OMIM 613254.

Submissions (4):

Ambry Genetics
Classification: Likely benign for Hereditary cancer-predisposing syndrome. Last evaluated: 2025-03-31. Review status: criteria provided, single submitter. Criteria: Ambry Variant Classification Scheme 2023. Collection method: clinical testing. Allele origin: germline.

GeneDx
Classification: Uncertain significance. Last evaluated: 2025-02-03. Review status: criteria provided, single submitter. Criteria: GeneDx Variant Classification Process June 2021. Collection method: clinical testing. Allele origin: germline. Affected: yes.
Comment: In silico analysis supports a deleterious effect on splicing; Has not been previously published as pathogenic or benign to our knowledge

Labcorp Genetics (formerly Invitae), Labcorp
Classification: Uncertain significance for Tuberous sclerosis 2. Last evaluated: 2024-08-14. Review status: criteria provided, single submitter. Criteria: Invitae Variant Classification Sherloc (09022015). Collection method: clinical testing. Allele origin: germline.
Comment: This sequence change affects an acceptor splice site in intron 26 of the TSC2 gene. Loss-of-function variants in TSC2 are known to be pathogenic (PMID: 10205261, 17304050). However, tissue-specific alternative splicing of TSC2 gene results in a functional isoform lacking in-frame exon 26 (also known as exon 25, PMID: 26703369). For this reason the clinical significance of loss of function variants in exon 26 is currently uncertain. This variant is not present in population databases (gnomAD no frequency). This variant has not been reported in the literature in individuals affected with TSC2-related conditions. ClinVar contains an entry for this variant (Variation ID: 1937007). Variants that disrupt the consensus splice site are a relatively common cause of aberrant splicing (PMID: 17576681, 9536098). Studies have shown disruption of this splice site is associated with skipping of exon 26, but one or more of the resulting mRNA isoform(s) may be naturally occurring (Invitae). In summary, the available evidence is currently insufficient to determine the role of this variant in disease. Therefore, it has been classified as a Variant of Uncertain Significance.

Blueprint Genetics
Classification: Uncertain significance. Last evaluated: 2022-04-07. Review status: criteria provided, single submitter. Criteria: ACMG Guidelines, 2015. Collection method: clinical testing. Allele origin: germline.

Literature cited by the submitters: PubMed 10205261 (cited by Labcorp Genetics (formerly Invitae), Labcorp); PubMed 17304050 (cited by Labcorp Genetics (formerly Invitae), Labcorp); PubMed 17576681 (cited by Labcorp Genetics (formerly Invitae), Labcorp); PubMed 9536098 (cited by Labcorp Genetics (formerly Invitae), Labcorp).